The following is an entry in ClinVar:

NM_000238.4(KCNH2):c.2457C>G (p.Asn819Lys)

Gene: KCNH2 (potassium voltage-gated channel subfamily H member 2; minus strand). Cytogenetic location: 7q36.1.
Variant type: single nucleotide variant.
Coding change: c.2457C>G on transcript NM_000238.4 (MANE Select); coding-DNA position 2457, C replaced by G.
Protein change: p.Asn819Lys; replaces asparagine 819 with lysine.
Molecular consequence: missense variant.
Genome position (GRCh38, 1-based): chr7:150,948,991, G>C on the plus strand (C>G on the coding strand, the complement: KCNH2 is on the minus strand). VCF-style: chr7-150948991-G-C. GRCh37 (hg19) VCF-style: chr7-150646079-G-C.
Other names: c.1437C>G, p.Asn479Lys (NM_172057.3); short protein forms N819K, N479K.
Identifiers: ClinVar variation 1437384 (VCV001437384.10), dbSNP rs768725008, ClinGen allele CA169074833.

ClinVar aggregate classification (germline): Uncertain significance. Review status: criteria provided, multiple submitters, no conflicts (2 of 4 stars). 2 submissions from 2 submitters: Uncertain significance (2). Last evaluated 2022-07-17.

Conditions:
Long QT syndrome 2 (LQT2). Identifiers: Orphanet 101016, Orphanet 768, MedGen C3150943, MONDO:0013367, OMIM 613688.
Short QT syndrome type 1. Identifiers: Orphanet 51083, MedGen C1865020, MONDO:0012312, OMIM 609620.
Long QT syndrome (LQTS). Identifiers: MedGen C0023976, MeSH D008133, MONDO:0002442. Disease mechanism: loss of function. Inheritance: Various modes of inheritance.

Submissions (2):

Labcorp Genetics (formerly Invitae), Labcorp
Classification: Uncertain significance for Long QT syndrome. Last evaluated: 2022-07-17. Review status: criteria provided, single submitter. Criteria: Invitae Variant Classification Sherloc (09022015). Collection method: clinical testing. Allele origin: germline.
Comment: In summary, the available evidence is currently insufficient to determine the role of this variant in disease. Therefore, it has been classified as a Variant of Uncertain Significance. Algorithms developed to predict the effect of missense changes on protein structure and function are either unavailable or do not agree on the potential impact of this missense change (SIFT: "Tolerated"; PolyPhen-2: "Possibly Damaging"; Align-GVGD: "Class C0"). ClinVar contains an entry for this variant (Variation ID: 1437384). This variant has not been reported in the literature in individuals affected with KCNH2-related conditions. This variant is not present in population databases (gnomAD no frequency). This sequence change replaces asparagine, which is neutral and polar, with lysine, which is basic and polar, at codon 819 of the KCNH2 protein (p.Asn819Lys).

Fulgent Genetics
Classification: Uncertain significance for Short QT syndrome type 1; Long QT syndrome 2. Last evaluated: 2021-08-30. Review status: criteria provided, single submitter. Criteria: ACMG Guidelines, 2015. Collection method: clinical testing. Allele origin: unknown.